The following is an entry in ClinVar:

ClinVar aggregate classification (germline): Uncertain significance. Review status: criteria provided, single submitter (1 of 4 stars). 2 submissions from 2 submitters: Uncertain significance (1). 1 of the submissions does not count toward it. Last evaluated 2023-01-17.

Allele frequency attached by ClinVar (database versions not stated): ExAC 0.00001; gnomAD exomes 0.00001 and 0.00002; TOPMed 0.00001.
gnomAD v4.1: 19 of 1,613,986 alleles (0.0012%); highest among the groups gnomAD compares: Middle Eastern, 0.033%; no homozygotes.

Submissions (2):

Blueprint Genetics
Classification: Uncertain significance. Last evaluated: 2023-01-17. Review status: criteria provided, single submitter. Criteria: ACMG Guidelines, 2015. Collection method: clinical testing. Allele origin: germline.

Department of Pathology and Laboratory Medicine, Sinai Health System
Classification: Uncertain significance. Review status: no assertion criteria provided. Collection method: clinical testing. Allele origin: unknown. Affected: yes. Study: The Canadian Open Genetics Repository (COGR). Not counted in ClinVar's aggregate classification.
Comment: The ARHGEF10 p.Arg761Gln variant was not identified in the literature nor was it identified in ClinVar and Cosmic, however the variant was identified in dbSNP (ID: rs760234206) and in LOVD 3.0 (classified as a variant of uncertain significance). The variant was identified in control databases in 5 of 282888 chromosomes at a frequency of 0.000018 increasing the likelihood this could be a low frequency benign variant (Genome Aggregation Database Feb 27, 2017). The variant was observed in the following populations: African in 1 of 24964 chromosomes (freq: 0.00004), Latino in 1 of 35440 chromosomes (freq: 0.000028), European (non-Finnish) in 3 of 129194 chromosomes (freq: 0.000023), while the variant was not observed in the Ashkenazi Jewish, East Asian, European (Finnish), Other, South Asian, populations. The variant occurs outside of the splicing consensus sequence and in silico or computational prediction software programs (SpliceSiteFinder, MaxEntScan, NNSPLICE, and GeneSplicer) do not predict a difference in splicing. The p.Arg761 residue is conserved in mammals and computational analyses (PolyPhen-2, SIFT, AlignGVGD, BLOSUM, and MutationTaster) provide inconsistent predictions regarding the impact to the protein; this information is not very predictive of pathogenicity. In summary, based on the above information the clinical significance of this variant cannot be determined with certainty at this time. This variant is classified as a variant of uncertain significance.

NM_014629.4(ARHGEF10):c.2396G>A (p.Arg799Gln)

Gene: ARHGEF10 (Rho guanine nucleotide exchange factor 10; plus strand). Cytogenetic location: 8p23.3.
Variant type: single nucleotide variant.
Coding change: c.2396G>A on transcript NM_014629.4 (MANE Select); coding-DNA position 2396, G replaced by A.
Protein change: p.Arg799Gln; replaces arginine 799 with glutamine.
Molecular consequence: missense variant.
Genome position (GRCh38, 1-based): chr8:1,923,782, G>A. VCF-style: chr8-1923782-G-A. GRCh37 (hg19) VCF-style: chr8-1871948-G-A.
Other names: c.2282G>A, p.Arg761Gln (NM_001308152.2); c.2396G>A, p.Arg799Gln (NM_001308153.3); short protein forms R761Q, R799Q, R823Q.
Identifiers: ClinVar variation 1050598 (VCV001050598.2), dbSNP rs760234206, ClinGen allele CA4600863.